The following is an entry in ClinVar:

NM_020708.5(SLC12A5):c.2452C>G (p.Pro818Ala)

Gene: SLC12A5 (solute carrier family 12 member 5; plus strand). Cytogenetic location: 20q13.12.
Variant type: single nucleotide variant.
Coding change: c.2452C>G on transcript NM_020708.5 (MANE Select); coding-DNA position 2452, C replaced by G.
Protein change: p.Pro818Ala; replaces proline 818 with alanine.
Molecular consequence: missense variant.
Genome position (GRCh38, 1-based): chr20:46,053,031, C>G. VCF-style: chr20-46053031-C-G. GRCh37 (hg19) VCF-style: chr20-44681670-C-G.
Other names: p.Pro818Ala; c.2521C>G, p.Pro841Ala (NM_001134771.2); c.2521C>G (NM_001134771.1); short protein forms P818A, P841A.
Identifiers: ClinVar variation 475651 (VCV000475651.35), dbSNP rs201268862, ClinGen allele CA9887612.
Genomic context (GRCh38, chr20:46,053,031, plus strand): 5'-ACCACAGCTGGCCACTTAGCCCTGCTGGTCACCAAGAACGTTTCCATGTTTCCTGGGAAC[C>G]CTGAGCGCTTCTCTGAGGGCAGCATCGACGTTTGGTGGATTGTGCACGATGGAGGCATGC-3'
Protein context (NP_065759.1, residues 808-828): TKNVSMFPGN[Pro818Ala]ERFSEGSIDV

ClinVar aggregate classification (germline): Conflicting classifications of pathogenicity. Review status: criteria provided, conflicting classifications (1 of 4 stars). 9 submissions from 9 submitters: Uncertain significance (8); Likely benign (1). Last evaluated 2026-06-29.

Conditions:
Developmental and epileptic encephalopathy, 34 (DEE34). Also called: Early infantile epileptic encephalopathy 34; SLC12A5-Related Epilepsy of Infancy with Migrating Focal Seizures. Identifiers: Orphanet 293181, MedGen C4225257, MONDO:0014718, OMIM 616645.
Epilepsy, idiopathic generalized, susceptibility to, 14 (EIG14). Identifiers: MedGen C4225245, MONDO:0014734, OMIM 616685.

Allele frequency attached by ClinVar (database versions not stated): ExAC 0.00015; ESP Exome Variant Server 0.00031; TOPMed 0.00034.
gnomAD v4.1: 791 of 1,614,042 alleles (0.049%); highest among the groups gnomAD compares: Non-Finnish European, 0.061%; no homozygotes.

Submissions (9):

Women's Health and Genetics/Laboratory Corporation of America, LabCorp
Classification: Uncertain significance. Last evaluated: 2026-06-29. Review status: criteria provided, single submitter. Criteria: LabCorp Variant Classification Summary - May 2015. Collection method: clinical testing. Allele origin: germline.
Comment: Variant summary: SLC12A5 c.2521C>G (p.Pro841Ala) results in a non-conservative amino acid change in the encoded protein sequence. Algorithms developed to predict the effect of missense changes on protein structure and function are either unavailable or do not agree on the potential impact of this missense change. The variant allele was found at a frequency of 0.00018 in 251452 control chromosomes. This frequency is not significantly higher than estimated for disease-causing variants in SLC12A5, allowing no conclusion about variant significance. To our knowledge, no occurrence of c.2521C>G in individuals affected with SLC12A5-related conditions and no experimental evidence demonstrating its impact on protein function have been reported. ClinVar contains an entry for this variant (Variation ID: 475651). Based on the evidence outlined above, the variant was classified as uncertain significance.

Labcorp Genetics (formerly Invitae), Labcorp
Classification: Likely benign for Developmental and epileptic encephalopathy, 34. Last evaluated: 2026-02-02. Review status: criteria provided, single submitter. Criteria: Invitae Variant Classification Sherloc (09022015). Collection method: clinical testing. Allele origin: germline.

GeneDx
Classification: Uncertain significance. Last evaluated: 2025-12-10. Review status: criteria provided, single submitter. Criteria: GeneDx Variant Classification Process June 2021. Collection method: clinical testing. Allele origin: germline. Affected: yes.
Comment: In silico analysis suggests that this missense variant does not alter protein structure/function; Has not been previously published as pathogenic or benign to our knowledge

Mayo Clinic Laboratories, Mayo Clinic
Classification: Uncertain significance. Last evaluated: 2025-09-22. Review status: criteria provided, single submitter. Criteria: ACMG Guidelines, 2015. Collection method: clinical testing. Allele origin: germline. Observed: 1 variant allele.
Comment: BP4, PP2, PM2_supporting

Ambry Genetics
Classification: Uncertain significance. Last evaluated: 2025-06-12. Review status: criteria provided, single submitter. Criteria: Ambry Variant Classification Scheme 2023. Collection method: clinical testing. Allele origin: germline.

CeGaT Center for Human Genetics Tuebingen
Classification: Uncertain significance. Last evaluated: 2025-01-01. Review status: criteria provided, single submitter. Criteria: CeGaT Center For Human Genetics Tuebingen Variant Classification Criteria Version 2. Collection method: clinical testing. Allele origin: germline. Affected: yes. Observed: 1 variant allele.

Revvity Omics, Revvity
Classification: Uncertain significance for Developmental and epileptic encephalopathy, 34. Last evaluated: 2022-10-27. Review status: criteria provided, single submitter. Criteria: ACMG Guidelines, 2015. Collection method: clinical testing. Allele origin: germline.

Knight Diagnostic Laboratories, Oregon Health and Sciences University
Classification: Uncertain significance for Epileptic encephalopathy, early infantile, 34. Last evaluated: 2019-07-29. Review status: criteria provided, single submitter. Criteria: ACMG Guidelines, 2015. Collection method: clinical testing. Allele origin: germline. Observed: 1 variant allele.

Fulgent Genetics
Classification: Uncertain significance for Developmental and epileptic encephalopathy, 34; Epilepsy, idiopathic generalized, susceptibility to, 14. Last evaluated: 2018-10-31. Review status: criteria provided, single submitter. Criteria: ACMG Guidelines, 2015. Collection method: clinical testing. Allele origin: unknown.